The following is an entry in ClinVar:

NM_206933.4(USH2A):c.8666A>G (p.Asp2889Gly)

Gene: USH2A (usherin; minus strand). Cytogenetic location: 1q41.
Variant type: single nucleotide variant.
Coding change: c.8666A>G on transcript NM_206933.4 (MANE Select); coding-DNA position 8666, A replaced by G.
Protein change: p.Asp2889Gly; replaces aspartic acid 2889 with glycine.
Molecular consequence: missense variant.
Genome position (GRCh38, 1-based): chr1:215,877,773, T>C on the plus strand (A>G on the coding strand, the complement: USH2A is on the minus strand). VCF-style: chr1-215877773-T-C. GRCh37 (hg19) VCF-style: chr1-216051115-T-C.
Other names: short protein forms D2889G.
Identifiers: ClinVar variation 3680336 (VCV003680336.2).

ClinVar aggregate classification (germline): Uncertain significance (1 of 4 stars; one submission).

gnomAD v4.1: 1 of 1,613,784 alleles (0.000062%); highest among the groups gnomAD compares: Non-Finnish European, 0.000085%; no homozygotes.

Submission:

Labcorp Genetics (formerly Invitae), Labcorp
Classification: Uncertain significance. Last evaluated: 2024-12-15. Review status: criteria provided, single submitter. Criteria: Invitae Variant Classification Sherloc (09022015). Collection method: clinical testing. Allele origin: germline.
Comment: This sequence change replaces aspartic acid, which is acidic and polar, with glycine, which is neutral and non-polar, at codon 2889 of the USH2A protein (p.Asp2889Gly). This variant is present in population databases (rs772287412, gnomAD 0.0009%). This variant has not been reported in the literature in individuals affected with USH2A-related conditions. Invitae Evidence Modeling of protein sequence and biophysical properties (such as structural, functional, and spatial information, amino acid conservation, physicochemical variation, residue mobility, and thermodynamic stability) indicates that this missense variant is expected to disrupt USH2A protein function with a positive predictive value of 95%. Algorithms developed to predict the effect of sequence changes on RNA splicing suggest that this variant may disrupt the consensus splice site. In summary, the available evidence is currently insufficient to determine the role of this variant in disease. Therefore, it has been classified as a Variant of Uncertain Significance.